The following is an entry in ClinVar:

NM_003060.4(SLC22A5):c.-118G>A

Genes: MIR3936HG (MIR3936 host gene; minus strand), SLC22A5 (solute carrier family 22 member 5; plus strand), LOC129994569 (ATAC-STARR-seq lymphoblastoid silent region 16317; plus strand). Cytogenetic location: 5q31.1.
Variant type: single nucleotide variant.
Coding change: c.-118G>A on transcript NM_003060.4 (MANE Select); 118 bases upstream of the start codon, G replaced by A.
Molecular consequence: 5 prime UTR variant. On other transcripts: non-coding transcript variant (1).
Genome position (GRCh38, 1-based): chr5:132,369,855, G>A. VCF-style: chr5-132369855-G-A. GRCh37 (hg19) VCF-style: chr5-131705547-G-A.
Other names: c.-118G>A (NM_001308122.2).
Identifiers: ClinVar variation 350808 (VCV000350808.8), dbSNP rs538643468, ClinGen allele CA10622604.

ClinVar aggregate classification (germline): Likely benign. Review status: criteria provided, multiple submitters, no conflicts (2 of 4 stars). 3 submissions from 3 submitters: Likely benign (3). Last evaluated 2018-08-14.

Conditions:
Renal carnitine transport defect (CDSP). Also called: CARNITINE DEFICIENCY, SYSTEMIC, DUE TO DEFECT IN RENAL REABSORPTION OF CARNITINE; CARNITINE TRANSPORTER, PLASMA-MEMBRANE, DEFICIENCY OF; CARNITINE UPTAKE DEFECT; Primary carnitine deficiency; Systemic primary carnitine deficiency; Carnitine transporter deficiency. Identifiers: Orphanet 158, MedGen C0342788, MONDO:0008919, OMIM 212140.

Allele frequency attached by ClinVar (database versions not stated): 1000 Genomes Project 0.00659; gnomAD 0.00702; 1000 Genomes Project 30x 0.00750; TOPMed 0.00778.
gnomAD v4.1: 1,984 of 1,330,970 alleles (0.15%); highest among the groups gnomAD compares: African/African-American, 2.4%; 23 homozygotes.

Submissions (3):

GeneDx
Classification: Likely benign. Last evaluated: 2018-08-14. Review status: criteria provided, single submitter. Criteria: GeneDx Variant Classification Process June 2021. Collection method: clinical testing. Allele origin: germline. Affected: yes.

Illumina Laboratory Services, Illumina
Classification: Likely benign for Renal carnitine transport defect. Last evaluated: 2018-01-12. Review status: criteria provided, single submitter. Criteria: ICSL Variant Classification Criteria 13 December 2019. Collection method: clinical testing. Allele origin: germline.
Comment: This variant was observed in the ICSL laboratory as part of a predisposition screen in an ostensibly healthy population. It had not been previously curated by ICSL or reported in the Human Gene Mutation Database (HGMD: prior to June 1st, 2018), and was therefore a candidate for classification through an automated scoring system. Utilizing variant allele frequency, disease prevalence and penetrance estimates, and inheritance mode, an automated score was calculated to assess if this variant is too frequent to cause the disease. Based on the score and internal cut-off values, a variant classified as likely benign is not then subjected to further curation. The score for this variant resulted in a classification of likely benign for this disease.

Breakthrough Genomics
Classification: Likely benign. Review status: criteria provided, single submitter. Criteria: ACMG Guidelines, 2015. Collection method: not provided. Allele origin: germline. Inheritance: Autosomal recessive inheritance. Affected: yes.